The following is an entry in ClinVar:

NM_001032382.2(PQBP1):c.180-11C>T

Gene: PQBP1 (polyglutamine binding protein 1; plus strand). Cytogenetic location: Xp11.23.
Variant type: single nucleotide variant.
Coding change: c.180-11C>T on transcript NM_001032382.2 (MANE Select); 11 bases into the intron before coding-DNA position 180, C replaced by T.
Molecular consequence: intron variant.
Genome position (GRCh38, 1-based): chrX:48,901,919, C>T. VCF-style: chrX-48901919-C-T. GRCh37 (hg19) VCF-style: chrX-48759196-C-T.
Other names: c.180-11C>T (NM_001032383.2, NM_144495.3, NM_001032381.2 and 4 more transcripts); c.156-11C>T (NM_001167990.2).
Identifiers: ClinVar variation 2970295 (VCV002970295.3), dbSNP rs1169561196, ClinGen allele CA641514299.

ClinVar aggregate classification (germline): Uncertain significance (1 of 4 stars; one submission).

Allele frequency attached by ClinVar (database versions not stated): gnomAD 0.00001; gnomAD exomes 0.00001; TOPMed 0.00002.
gnomAD v4.1: 11 of 1,209,087 alleles (0.00091%); highest among the groups gnomAD compares: East Asian, 0.021%; no homozygotes.

Submission:

Labcorp Genetics (formerly Invitae), Labcorp
Classification: Uncertain significance. Last evaluated: 2023-08-30. Review status: criteria provided, single submitter. Criteria: Invitae Variant Classification Sherloc (09022015). Collection method: clinical testing. Allele origin: germline.
Comment: The frequency data for this variant in the population databases is considered unreliable, as metrics indicate poor data quality at this position in the gnomAD database. In summary, the available evidence is currently insufficient to determine the role of this variant in disease. Therefore, it has been classified as a Variant of Uncertain Significance. Algorithms developed to predict the effect of sequence changes on RNA splicing suggest that this variant may disrupt the consensus splice site. This variant has not been reported in the literature in individuals affected with PQBP1-related conditions. This sequence change falls in intron 2 of the PQBP1 gene. It does not directly change the encoded amino acid sequence of the PQBP1 protein.